The following is an entry in ClinVar:

NM_001330691.3(CEP78):c.898T>G (p.Ser300Ala)

Gene: CEP78 (centrosomal protein 78; plus strand). Cytogenetic location: 9q21.2.
Variant type: single nucleotide variant.
Coding change: c.898T>G on transcript NM_001330691.3 (MANE Select); coding-DNA position 898, T replaced by G.
Protein change: p.Ser300Ala; replaces serine 300 with alanine.
Molecular consequence: missense variant.
Genome position (GRCh38, 1-based): chr9:78,248,296, T>G. VCF-style: chr9-78248296-T-G. GRCh37 (hg19) VCF-style: chr9-80863212-T-G.
Other names: c.898T>G, p.Ser300Ala (NM_001098802.3, NM_001330693.3, NM_001330694.2 and 4 more transcripts); short protein forms S300A.
Identifiers: ClinVar variation 1959405 (VCV001959405.5), dbSNP rs72743760, ClinGen allele CA373856514.
Genomic context (GRCh38, chr9:78,248,296, plus strand): 5'-AATAGCCACTCATTGGGAAATAATTACTATAATTTCAATTTTTATTTTACTTTAGATCAT[T>G]CTATGATGAAAGCAGTTATCAAAAAAGTCCTCCAGAATGGAAGGAGTGCCAAATCAGAGG-3'
Protein context (NP_001317620.1, residues 290-310): DIRKNPLIDH[Ser300Ala]MMKAVIKKVL

ClinVar aggregate classification (germline): Uncertain significance (1 of 4 stars; one submission).

gnomAD v4.1: 2 of 1,531,466 alleles (0.00013%); highest among the groups gnomAD compares: Non-Finnish European, 0.00018%; no homozygotes.

Submission:

Labcorp Genetics (formerly Invitae), Labcorp
Classification: Uncertain significance. Last evaluated: 2025-06-02. Review status: criteria provided, single submitter. Criteria: Invitae Variant Classification Sherloc (09022015). Collection method: clinical testing. Allele origin: germline.
Comment: This sequence change replaces serine, which is neutral and polar, with alanine, which is neutral and non-polar, at codon 300 of the CEP78 protein (p.Ser300Ala). This variant is not present in population databases (gnomAD no frequency). This variant has not been reported in the literature in individuals affected with CEP78-related conditions. ClinVar contains an entry for this variant (Variation ID: 1959405). Invitae Evidence Modeling of protein sequence and biophysical properties (such as structural, functional, and spatial information, amino acid conservation, physicochemical variation, residue mobility, and thermodynamic stability) indicates that this missense variant is not expected to disrupt CEP78 protein function with a negative predictive value of 80%. In summary, the available evidence is currently insufficient to determine the role of this variant in disease. Therefore, it has been classified as a Variant of Uncertain Significance.